The following is an entry in ClinVar:

ClinVar aggregate classification (germline): Conflicting classifications of pathogenicity. Review status: criteria provided, conflicting classifications (1 of 4 stars). 4 submissions from 4 submitters: Uncertain significance (3); Likely benign (1). Last evaluated 2025-01-15.

Conditions:
Tuberous sclerosis 1 (TSC1). Identifiers: Orphanet 805, MedGen C1854465, MONDO:0008612, OMIM 191100.
Tuberous sclerosis syndrome (TSC). Also called: Tuberous Sclerosis Complex; Tuberous sclerosis. Identifiers: Orphanet 805, MedGen C0041341, MONDO:0001734.
Hereditary cancer-predisposing syndrome. Also called: Hereditary neoplastic syndrome; Neoplastic Syndromes, Hereditary; Hereditary Cancer Syndrome; Tumor predisposition. Identifiers: Orphanet 140162, MedGen C0027672, MeSH D009386, MONDO:0015356.

Allele frequency attached by ClinVar (database versions not stated): gnomAD below 0.00001 and 0.00001; gnomAD exomes below 0.00001.
gnomAD v4.1: 6 of 1,613,900 alleles (0.00037%); highest among the groups gnomAD compares: East Asian, 0.0022%; no homozygotes.

Submissions (5):

Ambry Genetics
Classification: Likely benign for Hereditary cancer-predisposing syndrome. Last evaluated: 2025-01-15. Review status: criteria provided, single submitter. Criteria: Ambry Variant Classification Scheme 2023. Collection method: clinical testing. Allele origin: germline.

Labcorp Genetics (formerly Invitae), Labcorp
Classification: Uncertain significance for Tuberous sclerosis 1. Last evaluated: 2024-11-06. Review status: criteria provided, single submitter. Criteria: Invitae Variant Classification Sherloc (09022015). Collection method: clinical testing. Allele origin: germline.
Comment: This sequence change falls in intron 12 of the TSC1 gene. It does not directly change the encoded amino acid sequence of the TSC1 protein. It affects a nucleotide within the consensus splice site. This variant is not present in population databases (gnomAD no frequency). This variant has not been reported in the literature in individuals affected with TSC1-related conditions. ClinVar contains an entry for this variant (Variation ID: 466015). Variants that disrupt the consensus splice site are a relatively common cause of aberrant splicing (PMID: 17576681, 9536098). Studies have shown that this variant is associated with inconclusive levels of altered splicing (internal data). In summary, the available evidence is currently insufficient to determine the role of this variant in disease. Therefore, it has been classified as a Variant of Uncertain Significance.

All of Us Research Program, National Institutes of Health
Classification: Uncertain significance for Tuberous sclerosis syndrome. Last evaluated: 2023-12-18. Review status: criteria provided, single submitter. Criteria: ACMG Guidelines, 2015. Collection method: clinical testing. Allele origin: germline. Inheritance: Autosomal dominant inheritance. Observed: 1 variant allele, 1 heterozygote.
Comment: This variant causes a C to T nucleotide substitution at the +4 position of intron 12 of the TSC1 gene. Splice site prediction tools suggest that this variant may not impact RNA splicing. To our knowledge, functional studies have not been reported for this variant. This variant has not been reported in individuals affected with TSC1-related disorders in the literature. This variant has not been identified in the general population by the Genome Aggregation Database (gnomAD). The available evidence is insufficient to determine the role of this variant in disease conclusively. Therefore, this variant is classified as a Variant of Uncertain Significance.

This study involves interpretation of variants in research participants for the purpose of population health screening. Participant phenotype was not available at the time of variant classification. Additional details can be found in publication PMID: 35346344, PMCID: PMC8962531

Blueprint Genetics
Classification: Uncertain significance. Last evaluated: 2023-06-12. Review status: criteria provided, single submitter. Criteria: ACMG Guidelines, 2015. Collection method: clinical testing. Allele origin: germline.

MutSpliceDB: a database of splice sites variants effects on splicing, NIH
No classification provided (evidence only). Review status: no classification provided. Collection method: in vivo. Allele origin: not applicable. Functional consequence: retained intron. Not counted in ClinVar's aggregate classification.

Literature cited by the submitters: PubMed 17576681 (cited by Labcorp Genetics (formerly Invitae), Labcorp); PubMed 9536098 (cited by Labcorp Genetics (formerly Invitae), Labcorp).

NM_000368.5(TSC1):c.1263+4C>T

Gene: TSC1 (TSC complex subunit 1; minus strand). Cytogenetic location: 9q34.13.
Variant type: single nucleotide variant.
Coding change: c.1263+4C>T on transcript NM_000368.5 (MANE Select); 4 bases into the intron after coding-DNA position 1263, C replaced by T.
Molecular consequence: intron variant.
Genome position (GRCh38, 1-based): chr9:132,910,567, G>A on the plus strand (C>T on the coding strand, the complement: TSC1 is on the minus strand). VCF-style: chr9-132910567-G-A. GRCh37 (hg19) VCF-style: chr9-135785954-G-A.
Other names: c.900+4C>T (NM_001362177.2); c.1110+4C>T (NM_001162427.2); c.1260+4C>T (NM_001162426.2).
Identifiers: ClinVar variation 466015 (VCV000466015.16), dbSNP rs1554817077, ClinGen allele CA658657921.